The following is an entry in ClinVar:

NM_000436.3(OXCT1):c.-192G>A

Genes: OXCT1 (3-oxoacid CoA-transferase 1; minus strand), OXCT1-AS1 (OXCT1 antisense RNA 1; plus strand). Cytogenetic location: 5p13.1.
Variant type: single nucleotide variant.
Coding change: c.-192G>A on transcript NM_000436.3; 192 bases upstream of the start codon, G replaced by A.
Genome position (GRCh38, 1-based): chr5:41,870,550, C>T on the plus strand (G>A on the coding strand, the complement: OXCT1 is on the minus strand). VCF-style: chr5-41870550-C-T. GRCh37 (hg19) VCF-style: chr5-41870652-C-T.
Identifiers: ClinVar variation 353673 (VCV000353673.10), dbSNP rs75587220, ClinGen allele CA10624866.

ClinVar aggregate classification (germline): Benign. Review status: criteria provided, multiple submitters, no conflicts (2 of 4 stars). 3 submissions from 3 submitters: Benign (3). Last evaluated 2018-11-12.

Conditions:
Succinyl-CoA acetoacetate transferase deficiency (SCOTD). Also called: 3-Oxoacid CoA Transferase Deficiency; Succinyl CoA:3-oxoacid CoA transferase deficiency; KETOACIDOSIS DUE TO SCOT DEFICIENCY; SCOT DEFICIENCY; SUCCINYL-CoA:3-KETOACID CoA-TRANSFERASE DEFICIENCY. Identifiers: Orphanet 832, MedGen C0342792, MONDO:0009492, OMIM 245050.

Allele frequency attached by ClinVar (database versions not stated): 1000 Genomes Project 0.01817; 1000 Genomes Project 30x 0.01843; TOPMed 0.03377.

Submissions (3):

GeneDx
Classification: Benign. Last evaluated: 2018-11-12. Review status: criteria provided, single submitter. Criteria: GeneDx Variant Classification Process June 2021. Collection method: clinical testing. Allele origin: germline. Affected: yes.

Illumina Laboratory Services, Illumina
Classification: Benign for Succinyl-CoA acetoacetate transferase deficiency. Last evaluated: 2018-01-13. Review status: criteria provided, single submitter. Criteria: ICSL Variant Classification Criteria 13 December 2019. Collection method: clinical testing. Allele origin: germline.
Comment: This variant was observed in the ICSL laboratory as part of a predisposition screen in an ostensibly healthy population. It had not been previously curated by ICSL or reported in the Human Gene Mutation Database (HGMD: prior to June 1st, 2018), and was therefore a candidate for classification through an automated scoring system. Utilizing variant allele frequency, disease prevalence and penetrance estimates, and inheritance mode, an automated score was calculated to assess if this variant is too frequent to cause the disease. Based on the score and internal cut-off values, a variant classified as benign is not then subjected to further curation. The score for this variant resulted in a classification of benign for this disease.

Breakthrough Genomics
Classification: Benign. Review status: criteria provided, single submitter. Criteria: ACMG Guidelines, 2015. Collection method: not provided. Allele origin: germline. Inheritance: Autosomal recessive inheritance. Affected: yes.